The following is an entry in ClinVar:

NM_002691.4(POLD1):c.326A>C (p.Gln109Pro)

Gene: POLD1 (DNA polymerase delta 1, catalytic subunit; plus strand). Cytogenetic location: 19q13.33.
Variant type: single nucleotide variant.
Coding change: c.326A>C on transcript NM_002691.4 (MANE Select); coding-DNA position 326, A replaced by C.
Protein change: p.Gln109Pro; replaces glutamine 109 with proline.
Molecular consequence: missense variant. On other transcripts: non-coding transcript variant (1).
Genome position (GRCh38, 1-based): chr19:50,401,787, A>C. VCF-style: chr19-50401787-A-C. GRCh37 (hg19) VCF-style: chr19-50905044-A-C.
Other names: c.326A>C, p.Gln109Pro (NM_001256849.1, NM_001308632.1); short protein forms Q109P.
Identifiers: ClinVar variation 1729593 (VCV001729593.7), dbSNP rs1601198162, ClinGen allele CA406972082.

ClinVar aggregate classification (germline): Uncertain significance. Review status: criteria provided, multiple submitters, no conflicts (2 of 4 stars). 2 submissions from 2 submitters: Uncertain significance (2). Last evaluated 2021-12-12.

Conditions:
Hereditary cancer-predisposing syndrome. Also called: Neoplastic Syndromes, Hereditary; Tumor predisposition; Hereditary neoplastic syndrome; Hereditary Cancer Syndrome. Identifiers: Orphanet 140162, MedGen C0027672, MeSH D009386, MONDO:0015356.
POLD1-related polyposis and colorectal cancer syndrome (CRCS10). Also called: COLORECTAL CANCER, SUSCEPTIBILITY TO, ON CHROMOSOME 19q; Colorectal cancer 10; Colorectal cancer, susceptibility to, 10. Identifiers: Orphanet 220460, MedGen C2675481, MONDO:0012953, OMIM 612591.

Submissions (2):

Labcorp Genetics (formerly Invitae), Labcorp
Classification: Uncertain significance for POLD1-related polyposis and colorectal cancer syndrome. Last evaluated: 2021-12-12. Review status: criteria provided, single submitter. Criteria: Invitae Variant Classification Sherloc (09022015). Collection method: clinical testing. Allele origin: germline.
Comment: In summary, the available evidence is currently insufficient to determine the role of this variant in disease. Therefore, it has been classified as a Variant of Uncertain Significance. Algorithms developed to predict the effect of missense changes on protein structure and function output the following: SIFT: "Tolerated"; PolyPhen-2: "Benign"; Align-GVGD: "Class C0". The proline amino acid residue is found in multiple mammalian species, which suggests that this missense change does not adversely affect protein function. This variant has not been reported in the literature in individuals affected with POLD1-related conditions. This variant is not present in population databases (gnomAD no frequency). This sequence change replaces glutamine, which is neutral and polar, with proline, which is neutral and non-polar, at codon 109 of the POLD1 protein (p.Gln109Pro).

Ambry Genetics
Classification: Uncertain significance for Hereditary cancer-predisposing syndrome. Last evaluated: 2021-12-11. Review status: criteria provided, single submitter. Criteria: Ambry Variant Classification Scheme 2023. Collection method: clinical testing. Allele origin: germline.
Comment: The p.Q109P variant (also known as c.326A>C), located in coding exon 3 of the POLD1 gene, results from an A to C substitution at nucleotide position 326. The glutamine at codon 109 is replaced by proline, an amino acid with similar properties. This amino acid position is conserved. In addition, this alteration is predicted to be tolerated by in silico analysis. Since supporting evidence is limited at this time, the clinical significance of this alteration remains unclear.